The following is an entry in ClinVar:

ClinVar aggregate classification (germline): Likely pathogenic (1 of 4 stars; one submission).

Submission:

Labcorp Genetics (formerly Invitae), Labcorp
Classification: Likely pathogenic. Last evaluated: 2023-08-04. Review status: criteria provided, single submitter. Criteria: Invitae Variant Classification Sherloc (09022015). Collection method: clinical testing. Allele origin: unknown.
Comment: In summary, the currently available evidence indicates that the variant is pathogenic, but additional data are needed to prove that conclusively. Therefore, this variant has been classified as Likely Pathogenic. This variant has not been reported in the literature in individuals affected with DOCK8-related conditions. This variant results in a copy number gain of the genomic region encompassing exon(s) 22-26 of the DOCK8 gene. While the exact position of this variant cannot be determined from the data, sub-genic copy number gains are generally in tandem (PMID: 25640679). This variant is predicted to be out-of-frame, and may result in an absent or disrupted protein product. Loss-of-function variants in DOCK8 are known to be pathogenic (PMID: 14722525, 19776401).

Literature cited by the submitters: PubMed 25640679; PubMed 14722525; PubMed 19776401.

NC_000009.11:g.(?_382493)_(399279_?)dup

Gene: DOCK8 (dedicator of cytokinesis 8; plus strand). Cytogenetic location: 9p24.3.
Variant type: Duplication.
Identifiers: ClinVar variation 3245223 (VCV003245223.1).